The following is an entry in ClinVar:

ClinVar aggregate classification (germline): Uncertain significance (1 of 4 stars; one submission).

Conditions:
Hereditary sensory and autonomic neuropathy type 6. Also called: HSAN VI; Neuropathy, hereditary sensory and autonomic, type VI. Identifiers: Orphanet 314381, MedGen C3539003, MONDO:0013839, OMIM 614653.
Epidermolysis bullosa simplex 3, localized or generalized intermediate, with BP230 deficiency (EBS3). Also called: Epidermolysis bullosa simplex due to BP230 deficiency; Epidermolysis bullosa simplex, autosomal recessive 2. Identifiers: Orphanet 412181, MedGen C3809470, MONDO:0014180, OMIM 615425.

Allele frequency attached by ClinVar (database versions not stated): gnomAD exomes below 0.00001.
gnomAD v4.1: 7 of 1,614,102 alleles (0.00043%); highest among the groups gnomAD compares: Middle Eastern, 0.12%; 1 homozygote.

Submission:

Labcorp Genetics (formerly Invitae), Labcorp
Classification: Uncertain significance for Epidermolysis bullosa simplex 3, localized or generalized intermediate, with BP230 deficiency; Hereditary sensory and autonomic neuropathy type 6. Last evaluated: 2023-03-26. Review status: criteria provided, single submitter. Criteria: Invitae Variant Classification Sherloc (09022015). Collection method: clinical testing. Allele origin: germline.
Comment: In summary, the available evidence is currently insufficient to determine the role of this variant in disease. Therefore, it has been classified as a Variant of Uncertain Significance. An algorithm developed to predict the effect of missense changes on protein structure and function (PolyPhen-2) suggests that this variant¬† is likely to be tolerated. ClinVar contains an entry for this variant (Variation ID: 654918). This variant has not been reported in the literature in individuals affected with DST-related conditions. This variant is present in population databases (no rsID available, gnomAD no frequency). This sequence change replaces tyrosine, which is neutral and polar, with histidine, which is basic and polar, at codon 1825 of the DST protein (p.Tyr1825His).

NM_001723.7(DST):c.5473T>C (p.Tyr1825His)

Gene: DST (dystonin; minus strand). Cytogenetic location: 6p12.1.
Variant type: single nucleotide variant.
Coding change: c.5473T>C on transcript NM_001723.7 (MANE Plus Clinical); coding-DNA position 5473, T replaced by C.
Protein change: p.Tyr1825His; replaces tyrosine 1825 with histidine.
Molecular consequence: missense variant. On other transcripts: intron variant (10).
Genome position (GRCh38, 1-based): chr6:56,618,561, A>G on the plus strand (T>C on the coding strand, the complement: DST is on the minus strand). VCF-style: chr6-56618561-A-G. GRCh37 (hg19) VCF-style: chr6-56483359-A-G.
Other names: c.4831-4077T>C (NM_001144769.5); c.4930-4077T>C (NM_001374722.1, NM_001374736.1); c.4957-4077T>C (NM_001374734.1); c.4417-4077T>C (NM_001144770.2); c.4297-4077T>C (NM_001374730.1, NM_001386100.1, NM_183380.4 and 1 more transcripts); c.3319-4077T>C (NM_015548.5); short protein forms Y1825H.
Identifiers: ClinVar variation 654918 (VCV000654918.7), dbSNP rs1417796189, ClinGen allele CA364567295.